The following is an entry in ClinVar:

NM_000080.4(CHRNE):c.918G>T (p.Arg306Ser)

Genes: C17orf107 (chromosome 17 open reading frame 107; plus strand), CHRNE (cholinergic receptor nicotinic epsilon subunit; minus strand). Cytogenetic location: 17p13.2.
Variant type: single nucleotide variant.
Coding change: c.918G>T on transcript NM_000080.4 (MANE Select); coding-DNA position 918, G replaced by T.
Protein change: p.Arg306Ser; replaces arginine 306 with serine.
Molecular consequence: missense variant. On other transcripts: 5 prime UTR variant (1).
Genome position (GRCh38, 1-based): chr17:4,899,582, C>A on the plus strand (G>T on the coding strand, the complement: CHRNE is on the minus strand). VCF-style: chr17-4899582-C-A. GRCh37 (hg19) VCF-style: chr17-4802877-C-A.
Other names: c.-181C>A (NM_001145536.2); short protein forms R306S.
Identifiers: ClinVar variation 641378 (VCV000641378.6), dbSNP rs1453842961, ClinGen allele CA397301154.

ClinVar aggregate classification (germline): Uncertain significance. Review status: criteria provided, single submitter (1 of 4 stars). 2 submissions from 2 submitters: Uncertain significance (1). 1 of the submissions does not count toward it. Last evaluated 2021-08-28.

Conditions:
Congenital myasthenic syndrome (CMS). Also called: Congenital Myasthenic Syndromes. Identifiers: Orphanet 590, MedGen C0751882, MeSH D020294, MONDO:0018940.
Congenital myasthenic syndrome 4A. Also called: CONGENITAL MYASTHENIC SYNDROME TYPE Ia1; Myasthenic syndrome, congenital, 4a, slow-channel; MYASTHENIC SYNDROME, CONGENITAL, 4A, SLOW-CHANNEL, AUTOSOMAL RECESSIVE. Identifiers: Orphanet 590, MedGen C4225413, MONDO:0011600, OMIM 605809.

gnomAD v4.1: 2 of 1,573,318 alleles (0.00013%); highest among the groups gnomAD compares: Non-Finnish European, 0.00017%; no homozygotes.

Submissions (2):

Labcorp Genetics (formerly Invitae), Labcorp
Classification: Uncertain significance for Congenital myasthenic syndrome 4A. Last evaluated: 2021-08-28. Review status: criteria provided, single submitter. Criteria: Invitae Variant Classification Sherloc (09022015). Collection method: clinical testing. Allele origin: germline.
Comment: This sequence change replaces arginine with serine at codon 306 of the CHRNE protein (p.Arg306Ser). The arginine residue is weakly conserved and there is a moderate physicochemical difference between arginine and serine. This variant is not present in population databases (ExAC no frequency). This variant has not been reported in the literature in individuals affected with CHRNE-related conditions. Algorithms developed to predict the effect of missense changes on protein structure and function (SIFT, PolyPhen-2, Align-GVGD) all suggest that this variant is likely to be tolerated. Algorithms developed to predict the effect of sequence changes on RNA splicing suggest that this variant may disrupt the consensus splice site. In summary, the available evidence is currently insufficient to determine the role of this variant in disease. Therefore, it has been classified as a Variant of Uncertain Significance.

Natera, Inc.
Classification: Uncertain significance for Congenital myasthenic syndrome. Last evaluated: 2020-09-16. Review status: no assertion criteria provided. Collection method: clinical testing. Allele origin: germline. Not counted in ClinVar's aggregate classification.